The following is an entry in ClinVar:

ClinVar aggregate classification (germline): Conflicting classifications of pathogenicity. Review status: criteria provided, conflicting classifications (1 of 4 stars). 2 submissions from 2 submitters: Likely pathogenic (1); Uncertain significance (1). Last evaluated 2026-06-26.

Conditions:
Oculocutaneous albinism type 1. Also called: Albinism 1; ALBINISM I. Identifiers: Orphanet 352731, MedGen C0268494, MONDO:0018135. Disease mechanism: loss of function.

Allele frequency attached by ClinVar (database versions not stated): gnomAD exomes below 0.00001.
gnomAD v4.1: 1 of 1,613,438 alleles (0.000062%); highest among the groups gnomAD compares: Non-Finnish European, 0.000085%; no homozygotes.

Submissions (2):

Myriad Genetics, Inc.
Classification: Likely pathogenic for Oculocutaneous albinism type 1. Last evaluated: 2026-06-26. Review status: criteria provided, single submitter. Criteria: Myriad Autosomal Dominant, Autosomal Recessive and X-Linked Classification Criteria (2023). Collection method: clinical testing. Allele origin: unknown.
Comment: NM_000372.4(TYR):c.1114G>A(G372R) is a missense variant classified as likely pathogenic in the context of oculocutaneous albinism, TYR-related. G372R has been observed in cases with relevant disease (PMID: 38030918, 31848469). Relevant functional assessments of this variant are available in the literature (PMID: 20861851). G372R has not been observed in referenced population frequency databases. In summary, NM_000372.4(TYR):c.1114G>A(G372R) is a missense variant that has functional support for pathogenicity and has been observed more frequently in cases with the relevant disease than in healthy populations. Please note: this variant was assessed in the context of healthy population screening.

Revvity Omics, Revvity
Classification: Uncertain significance. Last evaluated: 2020-04-16. Review status: criteria provided, single submitter. Criteria: ACMG Guidelines, 2015. Collection method: clinical testing. Allele origin: germline.

Literature cited by the submitters: PubMed 20861851 (cited by Myriad Genetics, Inc.); PubMed 31848469 (cited by Myriad Genetics, Inc.); PubMed 38030918 (cited by Myriad Genetics, Inc.).

NM_000372.5(TYR):c.1114G>A (p.Gly372Arg)

Gene: TYR (tyrosinase; plus strand). Cytogenetic location: 11q14.3.
Variant type: single nucleotide variant.
Coding change: c.1114G>A on transcript NM_000372.5 (MANE Select); coding-DNA position 1114, G replaced by A.
Protein change: p.Gly372Arg; replaces glycine 372 with arginine.
Molecular consequence: missense variant.
Genome position (GRCh38, 1-based): chr11:89,227,900, G>A. VCF-style: chr11-89227900-G-A. GRCh37 (hg19) VCF-style: chr11-88961068-G-A.
Other names: short protein forms G372R.
Identifiers: ClinVar variation 2438452 (VCV002438452.4), dbSNP rs2496618651, ClinGen allele CA382028634.
Genomic context (GRCh38, chr11:89,227,900, plus strand): 5'-ACTGGGATAGCGGATGCCTCTCAAAGCAGCATGCACAATGCCTTGCACATCTATATGAAT[G>A]GAACAATGTCCCAGGTACAGGGATCTGCCAACGATCCTATCTTCCTTCTTCACCATGCAT-3'
Protein context (NP_000363.1, residues 362-382): MHNALHIYMN[Gly372Arg]TMSQVQGSAN